The following is an entry in ClinVar:

NM_002470.4(MYH3):c.1888+5G>A

Gene: MYH3 (myosin heavy chain 3; minus strand). Cytogenetic location: 17p13.1.
Variant type: single nucleotide variant.
Coding change: c.1888+5G>A on transcript NM_002470.4 (MANE Select); 5 bases into the intron after coding-DNA position 1888, G replaced by A.
Molecular consequence: intron variant.
Genome position (GRCh38, 1-based): chr17:10,642,412, C>T on the plus strand (G>A on the coding strand, the complement: MYH3 is on the minus strand). VCF-style: chr17-10642412-C-T. GRCh37 (hg19) VCF-style: chr17-10545729-C-T.
Identifiers: ClinVar variation 1466737 (VCV001466737.6), dbSNP rs767117987, ClinGen allele CA8392920.

ClinVar aggregate classification (germline): Uncertain significance (1 of 4 stars; one submission).

Allele frequency attached by ClinVar (database versions not stated): gnomAD exomes 0.00001; ExAC 0.00002.
gnomAD v4.1: 3 of 1,614,194 alleles (0.00019%); highest among the groups gnomAD compares: East Asian, 0.0067%; no homozygotes.

Submission:

Labcorp Genetics (formerly Invitae), Labcorp
Classification: Uncertain significance. Last evaluated: 2022-08-16. Review status: criteria provided, single submitter. Criteria: Invitae Variant Classification Sherloc (09022015). Collection method: clinical testing. Allele origin: germline.
Comment: This sequence change falls in intron 16 of the MYH3 gene. It does not directly change the encoded amino acid sequence of the MYH3 protein. It affects a nucleotide within the consensus splice site. In summary, the available evidence is currently insufficient to determine the role of this variant in disease. Therefore, it has been classified as a Variant of Uncertain Significance. Variants that disrupt the consensus splice site are a relatively common cause of aberrant splicing (PMID: 17576681, 9536098). Algorithms developed to predict the effect of sequence changes on RNA splicing suggest that this variant is not likely to affect RNA splicing. ClinVar contains an entry for this variant (Variation ID: 1466737). This variant has not been reported in the literature in individuals affected with MYH3-related conditions. This variant is present in population databases (rs767117987, gnomAD 0.01%).

Literature cited by the submitters: PubMed 17576681; PubMed 9536098.